The following is an entry in ClinVar:

NM_033026.6(PCLO):c.7820G>C (p.Gly2607Ala)

Gene: PCLO (piccolo presynaptic cytomatrix protein; minus strand). Cytogenetic location: 7q21.11.
Variant type: single nucleotide variant.
Coding change: c.7820G>C on transcript NM_033026.6 (MANE Select); coding-DNA position 7820, G replaced by C.
Protein change: p.Gly2607Ala; replaces glycine 2607 with alanine.
Molecular consequence: missense variant.
Genome position (GRCh38, 1-based): chr7:82,953,133, C>G on the plus strand (G>C on the coding strand, the complement: PCLO is on the minus strand). VCF-style: chr7-82953133-C-G. GRCh37 (hg19) VCF-style: chr7-82582449-C-G.
Other names: c.7820G>C, p.Gly2607Ala (NM_014510.3); short protein forms G2607A.
Identifiers: ClinVar variation 2010832 (VCV002010832.4), dbSNP rs2535692934, ClinGen allele CA367915737.

ClinVar aggregate classification (germline): Uncertain significance (1 of 4 stars; one submission).

Submission:

Labcorp Genetics (formerly Invitae), Labcorp
Classification: Uncertain significance. Last evaluated: 2022-07-03. Review status: criteria provided, single submitter. Criteria: Invitae Variant Classification Sherloc (09022015). Collection method: clinical testing. Allele origin: germline.
Comment: This variant has not been reported in the literature in individuals affected with PCLO-related conditions. This variant is not present in population databases (gnomAD no frequency). This sequence change replaces glycine, which is neutral and non-polar, with alanine, which is neutral and non-polar, at codon 2607 of the PCLO protein (p.Gly2607Ala). Algorithms developed to predict the effect of missense changes on protein structure and function are either unavailable or do not agree on the potential impact of this missense change (SIFT: "Tolerated"; PolyPhen-2: "Not Available"; Align-GVGD: "Class C0"). In summary, the available evidence is currently insufficient to determine the role of this variant in disease. Therefore, it has been classified as a Variant of Uncertain Significance.